The following is an entry in ClinVar:

NM_024426.6(WT1):c.1041T>C (p.Asp347=)

Gene: WT1 (WT1 transcription factor; minus strand). Cytogenetic location: 11p13.
Variant type: single nucleotide variant.
Coding change: c.1041T>C on transcript NM_024426.6 (MANE Select); coding-DNA position 1041, T replaced by C.
Protein change: p.Asp347=; no amino-acid change (aspartic acid 347 retained).
Molecular consequence: synonymous variant. On other transcripts: 5 prime UTR variant (1), non-coding transcript variant (2).
Genome position (GRCh38, 1-based): chr11:32,400,020, A>G on the plus strand (T>C on the coding strand, the complement: WT1 is on the minus strand). VCF-style: chr11-32400020-A-G. GRCh37 (hg19) VCF-style: chr11-32421566-A-G.
Other names: c.990T>C, p.Asp330= (NM_000378.6, NM_001407045.1, NM_001407048.1 and 1 more transcripts); c.390T>C, p.Asp130= (NM_001198551.2); c.339T>C, p.Asp113= (NM_001198552.2); c.-148T>C (NM_001367854.1); c.1035T>C, p.Asp345= (NM_001407044.1); c.1041T>C, p.Asp347= (NM_001407046.1, NM_024424.5); c.918T>C, p.Asp306= (NM_001407047.1); c.867T>C, p.Asp289= (NM_001407050.1); and 2 more.
Identifiers: ClinVar variation 1644560 (VCV001644560.10), dbSNP rs1159089816, ClinGen allele CA473567348.

ClinVar aggregate classification (germline): Likely benign. Review status: criteria provided, multiple submitters, no conflicts (2 of 4 stars). 2 submissions from 2 submitters: Likely benign (2). Last evaluated 2023-06-08.

Conditions:
Drash syndrome (DDS). Also called: WILMS TUMOR AND PSEUDO- OR TRUE HERMAPHRODITISM; NEPHROPATHY, WILMS TUMOR, AND GENITAL ANOMALIES. Identifiers: Orphanet 220, MedGen C0950121, MONDO:0008682, OMIM 194080.
Frasier syndrome. Identifiers: Orphanet 347, MedGen C0950122, MeSH D052159, MONDO:0007635, OMIM 136680.
Wilms tumor 1 (WT1). Also called: Wilms tumor, somatic. Identifiers: Orphanet 654, MedGen CN033288, MONDO:0008679, OMIM 194070.
11p partial monosomy syndrome (WAGR). Also called: WAGR Spectrum Disorder; WAGR syndrome; WAGR Complex; CHROMOSOME 11p13 DELETION SYNDROME. Identifiers: Orphanet 893, MedGen C0206115, MONDO:0008681, OMIM 194072.

Allele frequency attached by ClinVar (database versions not stated): gnomAD exomes below 0.00001.
gnomAD v4.1: 1 of 1,614,222 alleles (0.000062%); highest among the groups gnomAD compares: Admixed American, 0.0017%; no homozygotes.

Submissions (2):

All of Us Research Program, National Institutes of Health
Classification: Likely benign for Wilms tumor 1. Last evaluated: 2023-06-08. Review status: criteria provided, single submitter. Criteria: ACMG Guidelines, 2015. Collection method: clinical testing. Allele origin: germline. Inheritance: Autosomal dominant inheritance. Observed: 1 variant allele, 1 heterozygote.
Comment: This study involves interpretation of variants in research participants for the purpose of population health screening. Participant phenotype was not available at the time of variant classification. Additional details can be found in publication PMID: 35346344, PMCID: PMC8962531

Labcorp Genetics (formerly Invitae), Labcorp
Classification: Likely benign for Wilms tumor 1; Drash syndrome; 11p partial monosomy syndrome; Frasier syndrome. Last evaluated: 2022-02-20. Review status: criteria provided, single submitter. Criteria: Invitae Variant Classification Sherloc (09022015). Collection method: clinical testing. Allele origin: germline.